The following is an entry in ClinVar:

NM_002661.5(PLCG2):c.3241G>A (p.Ala1081Thr)

Gene: PLCG2 (phospholipase C gamma 2; plus strand). Cytogenetic location: 16q23.3.
Variant type: single nucleotide variant.
Coding change: c.3241G>A on transcript NM_002661.5 (MANE Select); coding-DNA position 3241, G replaced by A.
Protein change: p.Ala1081Thr; replaces alanine 1081 with threonine.
Molecular consequence: missense variant.
Genome position (GRCh38, 1-based): chr16:81,938,843, G>A. VCF-style: chr16-81938843-G-A. GRCh37 (hg19) VCF-style: chr16-81972448-G-A.
Other names: c.3241G>A, p.Ala1081Thr (NM_001425749.1, NM_001425750.1, NM_001425751.1); short protein forms A1081T.
Identifiers: ClinVar variation 3727621 (VCV003727621.2).

ClinVar aggregate classification (germline): Uncertain significance (1 of 4 stars; one submission).

Conditions:
Familial cold autoinflammatory syndrome 3 (FCAS3). Also called: FAMILIAL ATYPICAL COLD URTICARIA; ANTIBODY DEFICIENCY AND IMMUNE DYSREGULATION, PLCG2-ASSOCIATED. Identifiers: Orphanet 300359, MedGen C3280914, MONDO:0013766, OMIM 614468.

gnomAD v4.1: 2 of 1,613,744 alleles (0.00012%); highest among the groups gnomAD compares: Non-Finnish European, 0.000085%; no homozygotes.

Submission:

Labcorp Genetics (formerly Invitae), Labcorp
Classification: Uncertain significance for Familial cold autoinflammatory syndrome 3. Last evaluated: 2024-07-12. Review status: criteria provided, single submitter. Criteria: Invitae Variant Classification Sherloc (09022015). Collection method: clinical testing. Allele origin: germline.
Comment: This sequence change replaces alanine, which is neutral and non-polar, with threonine, which is neutral and polar, at codon 1081 of the PLCG2 protein (p.Ala1081Thr). This variant is not present in population databases (gnomAD no frequency). This variant has not been reported in the literature in individuals affected with PLCG2-related conditions. An algorithm developed to predict the effect of missense changes on protein structure and function (PolyPhen-2) suggests that this variant is likely to be tolerated. In summary, the available evidence is currently insufficient to determine the role of this variant in disease. Therefore, it has been classified as a Variant of Uncertain Significance.